The following is an entry in ClinVar:

NM_000051.4(ATM):c.9088G>A (p.Gly3030Arg)

Genes: ATM (ATM serine/threonine kinase; plus strand), C11orf65 (chromosome 11 open reading frame 65; minus strand). Cytogenetic location: 11q22.3.
Variant type: single nucleotide variant.
Coding change: c.9088G>A on transcript NM_000051.4 (MANE Select); coding-DNA position 9088, G replaced by A.
Protein change: p.Gly3030Arg; replaces glycine 3030 with arginine.
Molecular consequence: missense variant. On other transcripts: intron variant (2).
Genome position (GRCh38, 1-based): chr11:108,365,425, G>A. VCF-style: chr11-108365425-G-A. GRCh37 (hg19) VCF-style: chr11-108236152-G-A.
Other names: c.9088G>A, p.Gly3030Arg (NM_001351834.2); c.640+20495C>T (NM_001330368.2); c.694+20495C>T (NM_001351110.2); short protein forms G3030R.
Identifiers: ClinVar variation 246344 (VCV000246344.15), dbSNP rs879254215, ClinGen allele CA10584381.

ClinVar aggregate classification (germline): Conflicting classifications of pathogenicity. Review status: criteria provided, conflicting classifications (1 of 4 stars). 4 submissions from 4 submitters: Likely pathogenic (1); Uncertain significance (3). Last evaluated 2026-07-29.

Conditions:
Hereditary cancer-predisposing syndrome. Also called: Neoplastic Syndromes, Hereditary; Hereditary neoplastic syndrome; Tumor predisposition; Hereditary Cancer Syndrome. Identifiers: Orphanet 140162, MedGen C0027672, MeSH D009386, MONDO:0015356.
Familial cancer of breast. Also called: hereditary breast carcinoma; Hereditary breast cancer; BREAST CANCER, FAMILIAL. Identifiers: Orphanet 227535, MedGen C0346153, MONDO:0016419, OMIM 114480. Disease mechanism: loss of function.
Ataxia-telangiectasia syndrome (AT). Also called: Ataxia telangiectasia (A-T); Cerebello-oculocutaneous telangiectasia; Immunodeficiency with ataxia telangiectasia; LOUIS-BAR SYNDROME; AT, COMPLEMENTATION GROUP C; ATAXIA-TELANGIECTASIA, FRESNO VARIANT. Identifiers: Orphanet 100, MedGen C0004135, MONDO:0008840, OMIM 208900.

Allele frequency attached by ClinVar (database versions not stated): gnomAD 0.00001; gnomAD exomes below 0.00001.
gnomAD v4.1: 1 of 1,614,026 alleles (0.000062%); highest among the groups gnomAD compares: Non-Finnish European, 0.000085%; no homozygotes.

Submissions (4):

Myriad Genetics, Inc.
Classification: Likely pathogenic for Familial cancer of breast. Last evaluated: 2026-07-29. Review status: criteria provided, single submitter. Criteria: Myriad Autosomal Dominant, Autosomal Recessive and X-Linked Classification Criteria (2023). Collection method: clinical testing. Allele origin: unknown.
Comment: This variant is considered likely pathogenic. This variant has been reported in an individual with clinical features of gene-specific disease [PMID: 39052144]. This variant is expected to disrupt protein structure [Myriad internal data]. Functional studies indicate this variant impacts protein function [PMID: 40580951].

Ambry Genetics
Classification: Uncertain significance for Hereditary cancer-predisposing syndrome. Last evaluated: 2025-08-10. Review status: criteria provided, single submitter. Criteria: Ambry Variant Classification Scheme 2023. Collection method: clinical testing. Allele origin: germline.
Comment: The p.G3030R variant (also known as c.9088G>A), located in coding exon 62 of the ATM gene, results from a G to A substitution at nucleotide position 9088. The glycine at codon 3030 is replaced by arginine, an amino acid with dissimilar properties. In a study of whole-exome sequencing in patients with features of Cowden syndrome (CS) or Bannayan-Riley-Ruvalcaba syndrome (BRRS) and negative PTEN testing, this alteration was identified in 0/87 patients with CS or BRRS and 1/3476 patients from The Cancer Genome Atlas (TCGA) (Yehia L et al. PLoS Genet, 2018 04;14:e1007352). This amino acid position is highly conserved in available vertebrate species. In addition, this alteration is predicted to be deleterious by in silico analysis. Since supporting evidence is limited at this time, the clinical significance of this alteration remains unclear.

Labcorp Genetics (formerly Invitae), Labcorp
Classification: Uncertain significance for Ataxia-telangiectasia syndrome. Last evaluated: 2024-08-08. Review status: criteria provided, single submitter. Criteria: Invitae Variant Classification Sherloc (09022015). Collection method: clinical testing. Allele origin: germline.
Comment: This sequence change replaces glycine, which is neutral and non-polar, with arginine, which is basic and polar, at codon 3030 of the ATM protein (p.Gly3030Arg). This variant is present in population databases (no rsID available, gnomAD 0.0009%). This variant has not been reported in the literature in individuals affected with ATM-related conditions. ClinVar contains an entry for this variant (Variation ID: 246344). An algorithm developed to predict the effect of missense changes on protein structure and function (PolyPhen-2) suggests that this variant is likely to be disruptive. In summary, the available evidence is currently insufficient to determine the role of this variant in disease. Therefore, it has been classified as a Variant of Uncertain Significance.

GeneDx
Classification: Uncertain significance. Last evaluated: 2016-01-22. Review status: criteria provided, single submitter. Criteria: GeneDx Variant Classification (06012015). Collection method: clinical testing. Allele origin: germline. Affected: yes.
Comment: This variant is denoted ATM c.9088G>A at the cDNA level, p.Gly3030Arg (G3030R) at the protein level, and results in the change of a Glycine to an Arginine (GGA>AGA). This variant has not, to our knowledge, been published in the literature as pathogenic or benign. ATM Gly3030Arg was not observed in approximately 6,500 individuals of European and African American ancestry in the NHLBI Exome Sequencing Project, suggesting it is not a common benign variant in these populations. Since Glycine and Arginine differ in polarity, charge, size or other properties, this is considered a non-conservative amino acid substitution. ATM Gly3030Arg occurs at a position that is conserved across species and is located in the FATC domain (Stracker 2013). In silico analyses predict that this variant is probably damaging to protein structure and function. Based on currently available evidence, it is unclear whether ATM Gly3030Arg is a pathogenic or benign variant. We consider it to be a variant of uncertain significance.

Literature cited by the submitters: PubMed 39052144 (cited by Myriad Genetics, Inc.); PubMed 40580951 (cited by Myriad Genetics, Inc.); PubMed 29684080 (cited by Ambry Genetics).